The following is an entry in ClinVar:

ClinVar aggregate classification (germline): Conflicting classifications of pathogenicity. Review status: criteria provided, conflicting classifications (1 of 4 stars). 4 submissions from 4 submitters: Likely pathogenic (1); Uncertain significance (3). Last evaluated 2026-02-26.

Conditions:
Thoracic aortic aneurysm or dissection.
Loeys-Dietz syndrome (LDS). Identifiers: Orphanet 60030, MedGen C2697932, MONDO:0018954.
Familial thoracic aortic aneurysm and aortic dissection (TAAD). Also called: Thoracic aortic aneurysms and dissections. Identifiers: Orphanet 91387, MedGen C4707243, MONDO:0019625.

Submissions (4):

NHS Central & South Genomic Laboratory Hub
Classification: Likely pathogenic for Thoracic aortic aneurysm or dissection. Last evaluated: 2026-02-26. Review status: criteria provided, single submitter. Criteria: ACMG Guidelines, 2015. Collection method: clinical testing. Allele origin: germline. Affected: yes.

All of Us Research Program, National Institutes of Health
Classification: Uncertain significance for Loeys-Dietz syndrome. Last evaluated: 2024-02-05. Review status: criteria provided, single submitter. Criteria: ACMG Guidelines, 2015. Collection method: clinical testing. Allele origin: germline. Inheritance: Autosomal dominant inheritance. Observed: 1 variant allele, 1 heterozygote.
Comment: This missense variant replaces valine with phenylalanine at codon 219 of the TGFBR1 protein. Computational prediction suggests that this variant may have deleterious impact on protein structure and function (internally defined REVEL score threshold >= 0.7, PMID: 27666373). To our knowledge, functional studies have not been reported for this variant. This variant has not been reported in individuals affected with TGFBR1-related disorders in the literature. This variant has not been identified in the general population by the Genome Aggregation Database (gnomAD). The available evidence is insufficient to determine the role of this variant in disease conclusively. Therefore, this variant is classified as a Variant of Uncertain Significance.

This study involves interpretation of variants in research participants for the purpose of population health screening. Participant phenotype was not available at the time of variant classification. Additional details can be found in publication PMID: 35346344, PMCID: PMC8962531

Labcorp Genetics (formerly Invitae), Labcorp
Classification: Uncertain significance for Familial thoracic aortic aneurysm and aortic dissection. Last evaluated: 2022-07-05. Review status: criteria provided, single submitter. Criteria: Invitae Variant Classification Sherloc (09022015). Collection method: clinical testing. Allele origin: germline.
Comment: This variant has not been reported in the literature in individuals affected with TGFBR1-related conditions. In summary, the available evidence is currently insufficient to determine the role of this variant in disease. Therefore, it has been classified as a Variant of Uncertain Significance. Advanced modeling of protein sequence and biophysical properties (such as structural, functional, and spatial information, amino acid conservation, physicochemical variation, residue mobility, and thermodynamic stability) performed at Invitae indicates that this missense variant is expected to disrupt TGFBR1 protein function. ClinVar contains an entry for this variant (Variation ID: 213873). This variant is not present in population databases (gnomAD no frequency). This sequence change replaces valine, which is neutral and non-polar, with phenylalanine, which is neutral and non-polar, at codon 219 of the TGFBR1 protein (p.Val219Phe).

GeneDx
Classification: Uncertain significance. Last evaluated: 2016-12-09. Review status: criteria provided, single submitter. Criteria: GeneDx Variant Classification (06012015). Collection method: clinical testing. Allele origin: germline. Affected: yes.
Comment: p.Val219Phe (V219F) (GTT>TTT): c.655 G>T in exon 4 of the TGFBR1 gene (NM_004612.2) The V219F variant of unknown significance identified in the TGFBR1 gene, has not been published as a mutation or been reported as a benign polymorphism to our knowledge. The V219F variant was not observed in approximately 6500 individuals of European and African American ancestry in the NHLBI Exome Sequencing Project, indicating it is not a common benign variant in these populations. Although the V219F variant is a semi-conservative amino acid substitution, which may impact secondary protein structure as these residues differ in some properties; this substitution occurs at a position that is highly conserved across species. In silico analysis predicts this variant is probably damaging to the protein structure/function. Only one missense mutation in nearby residue (E218K) has been reported in association with TAAD, supporting the functional importance of this region of the protein. Therefore, based on the currently available information, it is unclear whether this variant is a pathogenic mutation or a rare benign variant. This variant was found in TAADV2-PANCARD

NM_004612.4(TGFBR1):c.655G>T (p.Val219Phe)

Gene: TGFBR1 (transforming growth factor beta receptor 1; plus strand). Cytogenetic location: 9q22.33.
Variant type: single nucleotide variant.
Coding change: c.655G>T on transcript NM_004612.4 (MANE Select); coding-DNA position 655, G replaced by T.
Protein change: p.Val219Phe; replaces valine 219 with phenylalanine.
Molecular consequence: missense variant.
Genome position (GRCh38, 1-based): chr9:99,137,939, G>T. VCF-style: chr9-99137939-G-T. GRCh37 (hg19) VCF-style: chr9-101900221-G-T.
Other names: p.V219F:GTT>TTT; c.424G>T, p.Val142Phe (NM_001130916.3); c.667G>T, p.Val223Phe (NM_001306210.2); short protein forms V219F, V223F, V142F.
Identifiers: ClinVar variation 213873 (VCV000213873.14), dbSNP rs863223810, ClinGen allele CA322797.
Genomic context (GRCh38, chr9:99,137,939, plus strand): 5'-AGAACAATTGCGAGAACTATTGTGTTACAAGAAAGCATTGGCAAAGGTCGATTTGGAGAA[G>T]TTTGGAGAGGAAAGTGGCGGGGAGAAGAAGTTGCTGTTAAGATATTCTCCTCTAGAGAAG-3'
Protein context (NP_004603.1, residues 209-229): ESIGKGRFGE[Val219Phe]WRGKWRGEEV